The following is an entry in ClinVar:

NM_002335.4(LRP5):c.2358C>G (p.Ile786Met)

Gene: LRP5 (LDL receptor related protein 5; plus strand). Cytogenetic location: 11q13.2.
Variant type: single nucleotide variant.
Coding change: c.2358C>G on transcript NM_002335.4 (MANE Select); coding-DNA position 2358, C replaced by G.
Protein change: p.Ile786Met; replaces isoleucine 786 with methionine.
Molecular consequence: missense variant.
Genome position (GRCh38, 1-based): chr11:68,411,475, C>G. VCF-style: chr11-68411475-C-G. GRCh37 (hg19) VCF-style: chr11-68178943-C-G.
Other names: c.615C>G, p.Ile205Met (NM_001291902.2); short protein forms I205M, I786M.
Identifiers: ClinVar variation 2995347 (VCV002995347.3), dbSNP rs140616444, ClinGen allele CA6149614.

ClinVar aggregate classification (germline): Uncertain significance (1 of 4 stars; one submission).

Allele frequency attached by ClinVar (database versions not stated): 1000 Genomes Project 30x 0.00016.

Submission:

Labcorp Genetics (formerly Invitae), Labcorp
Classification: Uncertain significance. Last evaluated: 2025-03-25. Review status: criteria provided, single submitter. Criteria: Invitae Variant Classification Sherloc (09022015). Collection method: clinical testing. Allele origin: germline.
Comment: This sequence change replaces isoleucine, which is neutral and non-polar, with methionine, which is neutral and non-polar, at codon 786 of the LRP5 protein (p.Ile786Met). This variant is present in population databases (rs140616444, gnomAD 0.003%). This variant has not been reported in the literature in individuals affected with LRP5-related conditions. ClinVar contains an entry for this variant (Variation ID: 2995347). Invitae Evidence Modeling of protein sequence and biophysical properties (such as structural, functional, and spatial information, amino acid conservation, physicochemical variation, residue mobility, and thermodynamic stability) indicates that this missense variant is expected to disrupt LRP5 protein function with a positive predictive value of 80%. In summary, the available evidence is currently insufficient to determine the role of this variant in disease. Therefore, it has been classified as a Variant of Uncertain Significance.